The following is an entry in ClinVar:

NM_000069.3(CACNA1S):c.853G>A (p.Val285Met)

Gene: CACNA1S (calcium voltage-gated channel subunit alpha1 S; minus strand). Cytogenetic location: 1q32.1.
Variant type: single nucleotide variant.
Coding change: c.853G>A on transcript NM_000069.3 (MANE Select); coding-DNA position 853, G replaced by A.
Protein change: p.Val285Met; replaces valine 285 with methionine.
Molecular consequence: missense variant.
Genome position (GRCh38, 1-based): chr1:201,089,305, C>T on the plus strand (G>A on the coding strand, the complement: CACNA1S is on the minus strand). VCF-style: chr1-201089305-C-T. GRCh37 (hg19) VCF-style: chr1-201058433-C-T.
Other names: short protein forms V285M.
Identifiers: ClinVar variation 2063698 (VCV002063698.5), dbSNP rs770679071, ClinGen allele CA084018.

ClinVar aggregate classification (germline): Uncertain significance. Review status: criteria provided, multiple submitters, no conflicts (2 of 4 stars). 7 submissions from 4 submitters: Uncertain significance (7). Last evaluated 2024-01-01.

Conditions:
Inborn genetic diseases. Identifiers: MedGen C0950123, MeSH D030342.
Malignant hyperthermia, susceptibility to, 5 (MHS5). Also called: CACNA1S-Related Malignant Hyperthermia Susceptibility. Identifiers: Orphanet 423, MedGen C1866077, MONDO:0011163, OMIM 601887.
Hypokalemic periodic paralysis, type 1. Also called: HypoPP; Hypokalemic Periodic Paralysis Type 1 (AD). Identifiers: Orphanet 681, MedGen C3714580, MONDO:0042979, OMIM 170400.
Thyrotoxic periodic paralysis, susceptibility to, 1 (TTPP1). Identifiers: Orphanet 79102, MedGen C2749982, MONDO:0008570, OMIM 188580.
Congenital myopathy 18. Also called: Myopathy, congenital, due to dihydropyridine receptor defect; DIHYDROPYRIDINE RECEPTOR CONGENITAL MYOPATHY; DHPR CONGENITAL MYOPATHY. Identifiers: MedGen C5830283, MONDO:0859514, OMIM 620246.

gnomAD v4.1: 77 of 1,614,136 alleles (0.0048%); highest among the groups gnomAD compares: Non-Finnish European, 0.0063%; no homozygotes.

Submissions (7):

Labcorp Genetics (formerly Invitae), Labcorp
Classification: Uncertain significance for Hypokalemic periodic paralysis, type 1; Malignant hyperthermia, susceptibility to, 5. Last evaluated: 2024-01-01. Review status: criteria provided, single submitter. Criteria: Invitae Variant Classification Sherloc (09022015). Collection method: clinical testing. Allele origin: germline.
Comment: This sequence change replaces valine, which is neutral and non-polar, with methionine, which is neutral and non-polar, at codon 285 of the CACNA1S protein (p.Val285Met). This variant is present in population databases (rs770679071, gnomAD 0.002%). This variant has not been reported in the literature in individuals affected with CACNA1S-related conditions. ClinVar contains an entry for this variant (Variation ID: 2063698). Advanced modeling of protein sequence and biophysical properties (such as structural, functional, and spatial information, amino acid conservation, physicochemical variation, residue mobility, and thermodynamic stability) performed at Invitae indicates that this missense variant is expected to disrupt CACNA1S protein function with a positive predictive value of 80%. In summary, the available evidence is currently insufficient to determine the role of this variant in disease. Therefore, it has been classified as a Variant of Uncertain Significance.

Color Diagnostics, LLC DBA Color Health
Classification: Uncertain significance for Malignant hyperthermia, susceptibility to, 5. Last evaluated: 2023-11-08. Review status: criteria provided, single submitter. Criteria: ACMG Guidelines, 2015. Collection method: clinical testing. Allele origin: germline.
Comment: This missense variant replaces valine with methionine at codon 285 of the CACNA1S protein. Computational prediction suggests that this variant may have deleterious impact on protein structure and function. To our knowledge, functional studies have not been reported for this variant. This variant has not been reported in individuals affected with CACNA1S-related disorders in the literature. This variant has been identified in 3/282834 chromosomes in the general population by the Genome Aggregation Database (gnomAD). The available evidence is insufficient to determine the role of this variant in disease conclusively. Therefore, this variant is classified as a Variant of Uncertain Significance.

Genome-Nilou Lab
Classification: Uncertain significance for Malignant hyperthermia, susceptibility to, 5. Last evaluated: 2023-04-11. Review status: criteria provided, single submitter. Criteria: ACMG Guidelines, 2015. Collection method: clinical testing. Allele origin: germline. Affected: no.

Genome-Nilou Lab
Classification: Uncertain significance for Thyrotoxic periodic paralysis, susceptibility to, 1. Last evaluated: 2023-04-11. Review status: criteria provided, single submitter. Criteria: ACMG Guidelines, 2015. Collection method: clinical testing. Allele origin: germline. Affected: no.

Genome-Nilou Lab
Classification: Uncertain significance for Congenital myopathy 18. Last evaluated: 2023-04-11. Review status: criteria provided, single submitter. Criteria: ACMG Guidelines, 2015. Collection method: clinical testing. Allele origin: germline. Affected: no.

Genome-Nilou Lab
Classification: Uncertain significance for Hypokalemic periodic paralysis, type 1. Last evaluated: 2023-04-11. Review status: criteria provided, single submitter. Criteria: ACMG Guidelines, 2015. Collection method: clinical testing. Allele origin: germline. Affected: no.

Ambry Genetics
Classification: Uncertain significance for Inborn genetic diseases. Last evaluated: 2021-08-30. Review status: criteria provided, single submitter. Criteria: Ambry Variant Classification Scheme 2023. Collection method: clinical testing. Allele origin: germline.